The following is an entry in ClinVar:

NM_004360.5(CDH1):c.1592A>C (p.Asn531Thr)

Gene: CDH1 (cadherin 1; plus strand). Cytogenetic location: 16q22.1.
Variant type: single nucleotide variant.
Coding change: c.1592A>C on transcript NM_004360.5 (MANE Select); coding-DNA position 1592, A replaced by C.
Protein change: p.Asn531Thr; replaces asparagine 531 with threonine.
Molecular consequence: missense variant. On other transcripts: intron variant (1).
Genome position (GRCh38, 1-based): chr16:68,819,306, A>C. VCF-style: chr16-68819306-A-C. GRCh37 (hg19) VCF-style: chr16-68853209-A-C.
Other names: c.1409A>C, p.Asn470Thr (NM_001317184.2); c.44A>C, p.Asn15Thr (NM_001317185.2); c.-254-2695A>C (NM_001317186.2); short protein forms N15T, N470T, N531T.
Identifiers: ClinVar variation 2681854 (VCV002681854.1), dbSNP rs1596960354, ClinGen allele CA396464931.

ClinVar aggregate classification (germline): Uncertain significance (1 of 4 stars; one submission).

Submission:

Quest Diagnostics Nichols Institute San Juan Capistrano
Classification: Uncertain significance. Last evaluated: 2022-09-02. Review status: criteria provided, single submitter. Criteria: Quest Diagnostics criteria. Collection method: clinical testing. Allele origin: unknown.
Comment: This variant has not been reported in the published literature. It also has not been reported in large, multi-ethnic general populations. Analysis of this variant using bioinformatics tools for the prediction of the effect of amino acid changes on protein structure and function yielded predictions that this variant is benign. Based on the available information, we are unable to determine the clinical significance of this variant.